The following is an entry in ClinVar:

NM_000136.3(FANCC):c.849A>C (p.Gln283His)

Genes: FANCC (FA complementation group C; minus strand), AOPEP (aminopeptidase O (putative); plus strand). Cytogenetic location: 9q22.32.
Variant type: single nucleotide variant.
Coding change: c.849A>C on transcript NM_000136.3 (MANE Select); coding-DNA position 849, A replaced by C.
Protein change: p.Gln283His; replaces glutamine 283 with histidine.
Molecular consequence: missense variant.
Genome position (GRCh38, 1-based): chr9:95,126,576, T>G on the plus strand (A>C on the coding strand, the complement: FANCC is on the minus strand). VCF-style: chr9-95126576-T-G. GRCh37 (hg19) VCF-style: chr9-97888858-T-G.
Other names: c.849A>C, p.Gln283His (NM_001243743.2, NM_001243744.2); short protein forms Q283H.
Identifiers: ClinVar variation 1763590 (VCV001763590.2), dbSNP rs2134968632, ClinGen allele CA374109146.

ClinVar aggregate classification (germline): Uncertain significance (1 of 4 stars; one submission).

Conditions:
Hereditary cancer-predisposing syndrome. Also called: Neoplastic Syndromes, Hereditary; Tumor predisposition; Hereditary Cancer Syndrome; Hereditary neoplastic syndrome. Identifiers: Orphanet 140162, MedGen C0027672, MeSH D009386, MONDO:0015356.

Submission:

Ambry Genetics
Classification: Uncertain significance for Hereditary cancer-predisposing syndrome. Last evaluated: 2020-03-25. Review status: criteria provided, single submitter. Criteria: Ambry Variant Classification Scheme 2023. Collection method: clinical testing. Allele origin: germline.
Comment: The p.Q283H variant (also known as c.849A>C), located in coding exon 8 of the FANCC gene, results from an A to C substitution at nucleotide position 849. The glutamine at codon 283 is replaced by histidine, an amino acid with highly similar properties. This amino acid position is not well conserved in available vertebrate species. In addition, this alteration is predicted to be tolerated by in silico analysis. Since supporting evidence is limited at this time, the clinical significance of this alteration remains unclear.